The following continues an entry in ClinVar:

NM_001267550.2(TTN):c.64453C>T (p.Arg21485Ter)

ClinVar aggregate classification (germline): Pathogenic/Likely pathogenic. Pathogenic (6); Likely pathogenic (4).

Submissions 7 to 11 of 11:

GeneDx
Classification: Pathogenic. Last evaluated: 2022-10-10. Review status: criteria provided, single submitter. Criteria: GeneDx Variant Classification Process June 2021. Collection method: clinical testing. Allele origin: germline. Affected: yes.
Comment: Identified in patients with DCM referred for genetic testing at GeneDx and in published literature (Roberts et al., 2015; Anderson et al., 2020; Mazzarotto et al., 2020); Identified in an individual with alcoholic cardiomyopathy in the published literature (Ware et al., 2018). The R21485X variant was identified in two siblings also with alcoholic cardiomyopathy and a history of prolonged heavy alcohol consumption; however two family members who were also heterozygous for the R21485X variant but without a history of regular alcohol intake were clinically unaffected. Lastly, two family members with a history of heavy alcohol consumption but did not harbor the R21485X variant were also clinically unaffected.; Not observed at significant frequency in large population cohorts (gnomAD); Nonsense variant predicted to result in protein truncation or nonsense mediated decay in a gene for which loss of function is a known mechanism of disease; Located in the A-band region of TTN in which the majority of loss of function variants have been associated with autosomal dominant titinopathies (Herman et al., 2012); This variant is associated with the following publications: (PMID: 32998006, 25589632, 31983221, 22335739, 29773157)

Clinical Genomics Laboratory, Stanford Medicine
Classification: Likely pathogenic for Dilated cardiomyopathy 1G. Last evaluated: 2021-07-02. Review status: criteria provided, single submitter. Criteria: ACMG Guidelines, 2015. Collection method: clinical testing. Allele origin: germline. Affected: yes. Observed: 1 heterozygote.
Comment: •The p.Arg21485* variant in the TTNgene has been previously reported in at least 2 unrelated individuals with dilated cardiomyopathy and co-segregated with disease in at least 2 affected relatives from 1 family (Mazzarrato et al., 2020; Roberts et al., 2015; Ware et al., 2018). •This variant has been identified in 4/34,206 Latino chromosomes by the Genome Aggregation Database. •The p.Arg21485* variant leads to a premature termination; however, premature termination at this location of the gene may not undergo nonsense-mediated decay, increasing the likelihood of an expressed protein.•The p.Arg21485* variant is located in the A-band of the titin protein. Other pathogenic and likely pathogenic truncating variants have been described in the A-band.•These data were assessed using the ACMG/AMP variant interpretation guidelines. In summary, there is sufficient evidence to classify the p.Arg21485* variant as likely pathogenic for dilated cardiomyopathy in an autosomal dominant manner based on the information above. [ACMG evidence codes used: PVS1_strong; PS4_supporting; PM2]

Cardiovascular Biomedical Research Unit, Royal Brompton & Harefield NHS Foundation Trust
Classification: Likely pathogenic for Primary dilated cardiomyopathy. Last evaluated: 2014-10-08. Review status: criteria provided, single submitter. Criteria: Roberts et al. 2015. Collection method: research. Allele origin: germline. Inheritance: Autosomal dominant inheritance. Affected: yes. Observed: 1 variant allele. Study: Endstage DCM.
Comment: In the seven cohorts assessed, TTNtv were found in 14% of ambulant DCM, 22% end-stage or familial DCM, and 2% controls. Heterozygous nonsense, frameshift and canonical splice-disrupting variants found in constitutive and other highly utilised exons are highly likely to be pathogenic when identified in individuals with phenotypically confirmed DCM. TTNtv found incidentally in healthy individuals (excluding familial assessment of DCM relatives) are thought to have low penetrance, particularly when identified in exons that are not constitutively expressed in the heart.

Clinical Genetics Service, Universitary Hospital 12 de Octubre
Classification: Pathogenic for Dilated cardiomyopathy 1G. Review status: criteria provided, single submitter. Criteria: ACMG Guidelines, 2015. Collection method: clinical testing. Allele origin: germline. Affected: yes.

Cardiogenetics and Myogenetics Molecular and Cellular Functional Unit, Aphp Sorbonne University-Hopital Pitie Salpetriere
Classification: Pathogenic for Dilated cardiomyopathy 1G. Last evaluated: 2024-01-06. Review status: no assertion criteria provided. Collection method: clinical testing. Allele origin: germline. Affected: yes. Not counted in ClinVar's aggregate classification.

Literature cited by the submitters: PubMed 25589632 (cited by 3 submitters); PubMed 29773157 (cited by 3 submitters); PubMed 23975875 (cited by Labcorp Genetics (formerly Invitae), Labcorp); PubMed 31983221 (cited by Ambry Genetics and Women's Health and Genetics/Laboratory Corporation of America, LabCorp); PubMed 37652022 (cited by Women's Health and Genetics/Laboratory Corporation of America, LabCorp).